The following is an entry in ClinVar:

NM_030665.4(RAI1):c.834GCA[18] (p.Gln287_Gln291dup)

Gene: RAI1 (retinoic acid induced 1; plus strand). Cytogenetic location: 17p11.2.
Variant type: Microsatellite.
Coding change: c.834GCA[18] on transcript NM_030665.4 (MANE Select); 18 copies in a row of the 3-base unit GCA starting at c.834; the reference has 13 copies in a row; five copies, 15 bases duplicated.
Protein change: p.Gln287_Gln291dup.
Molecular consequence: inframe insertion.
Genome position (GRCh38, 1-based): chr17:17,793,806-17,793,820, GCAGCAGCAGCAGCA duplicated; duplicating any 15 consecutive bases within chr17:17,793,780-17,793,820 gives the same sequence; the position shown is the placement nearest the transcript's 3' end. VCF-style (leftmost placement, unchanged base first): chr17-17793779-C-CCAGCAGCAGCAGCAG. GRCh37 (hg19) VCF-style: chr17-17697093-C-CCAGCAGCAGCAGCAG.
Other names: c.858_872dup15 (NM_030665.3).
Identifiers: ClinVar variation 1480692 (VCV001480692.7), dbSNP rs371983878, ClinGen allele CA726623062.
Genomic context (GRCh38, chr17:17,793,779, plus strand): 5'-GGCCCCGGGGCAGCGGGTCCAGAATCTTCATGCCTACCAGTCGGGCCGCCTCAGCTATGA[C>CCAGCAGCAGCAGCAG]CAGCAGCAGCAGCAGCAGCAGCAGCAGCAGCAGCAGCAGCAAGCCCTTCAGAGCCGGCAC-3'

ClinVar aggregate classification (germline): Conflicting classifications of pathogenicity. Review status: criteria provided, conflicting classifications (1 of 4 stars). 2 submissions from 2 submitters: Uncertain significance (1); Likely benign (1). Last evaluated 2025-09-20.

Conditions:
RAI1-related disorder. Also called: RAI1-related condition.

Submissions (2):

Labcorp Genetics (formerly Invitae), Labcorp
Classification: Likely benign. Last evaluated: 2025-09-20. Review status: criteria provided, single submitter. Criteria: Invitae Variant Classification Sherloc (09022015). Collection method: clinical testing. Allele origin: germline.

PreventionGenetics, part of Exact Sciences
Classification: Uncertain significance for RAI1-related condition. Last evaluated: 2025-03-21. Review status: criteria provided, single submitter. Criteria: ACMG Guidelines, 2015. Collection method: clinical testing. Allele origin: germline.
Comment: The RAI1 c.858_872dup15 variant is predicted to result in an in-frame duplication (p.Gln287_Gln291dup). To our knowledge, this variant has not been reported in the literature or in gnomAD, indicating this variant is rare. At this time, the clinical significance of this variant is uncertain due to the absence of conclusive functional and genetic evidence.